The following is an entry in ClinVar:

NM_001002912.5(ERICH3):c.2430G>A (p.Arg810=)

Gene: ERICH3 (glutamate rich 3; minus strand). Cytogenetic location: 1p31.1.
Variant type: single nucleotide variant.
Coding change: c.2430G>A on transcript NM_001002912.5 (MANE Select); coding-DNA position 2430, G replaced by A.
Protein change: p.Arg810=; no amino-acid change (arginine 810 retained).
Molecular consequence: synonymous variant.
Genome position (GRCh38, 1-based): chr1:74,573,280, C>T on the plus strand (G>A on the coding strand, the complement: ERICH3 is on the minus strand). VCF-style: chr1-74573280-C-T. GRCh37 (hg19) VCF-style: chr1-75038964-C-T.
Identifiers: ClinVar variation 3777784 (VCV003777784.7).

ClinVar aggregate classification (germline): Benign (1 of 4 stars; one submission).

gnomAD v4.1: 19,380 of 1,599,300 alleles (1.2%); highest among the groups gnomAD compares: Non-Finnish European, 1.4%; 152 homozygotes.

Submission:

CeGaT Center for Human Genetics Tuebingen
Classification: Benign. Last evaluated: 2025-03-01. Review status: criteria provided, single submitter. Criteria: CeGaT Center For Human Genetics Tuebingen Variant Classification Criteria Version 2. Collection method: clinical testing. Allele origin: germline. Affected: yes. Observed: 1 variant allele.
Comment: ERICH3: BP4, BP7, BS1, BS2